The following is an entry in ClinVar:

NM_017636.4(TRPM4):c.153T>G (p.Asp51Glu)

Gene: TRPM4 (transient receptor potential cation channel subfamily M member 4; plus strand). Cytogenetic location: 19q13.33.
Variant type: single nucleotide variant.
Coding change: c.153T>G on transcript NM_017636.4 (MANE Select); coding-DNA position 153, T replaced by G.
Protein change: p.Asp51Glu; replaces aspartic acid 51 with glutamic acid.
Molecular consequence: missense variant. On other transcripts: 5 prime UTR variant (1), intron variant (2).
Genome position (GRCh38, 1-based): chr19:49,166,101, T>G. VCF-style: chr19-49166101-T-G. GRCh37 (hg19) VCF-style: chr19-49669358-T-G.
Other names: c.153T>G, p.Asp51Glu (NM_001195227.2, NM_001321281.2); c.-1220T>G (NM_001321282.2); c.-74-2159T>G (NM_001321283.2); c.-237-2452T>G (NM_001321285.2); short protein forms D51E.
Identifiers: ClinVar variation 3723609 (VCV003723609.2).

ClinVar aggregate classification (germline): Uncertain significance (1 of 4 stars; one submission).

Conditions:
Progressive familial heart block type IB (PFHB1B). Identifiers: Orphanet 871, MedGen C1970298, MONDO:0011474, OMIM 604559.

Submission:

Labcorp Genetics (formerly Invitae), Labcorp
Classification: Uncertain significance for Progressive familial heart block type IB. Last evaluated: 2024-10-24. Review status: criteria provided, single submitter. Criteria: Invitae Variant Classification Sherloc (09022015). Collection method: clinical testing. Allele origin: germline.
Comment: This sequence change replaces aspartic acid, which is acidic and polar, with glutamic acid, which is acidic and polar, at codon 51 of the TRPM4 protein (p.Asp51Glu). This variant is not present in population databases (gnomAD no frequency). This variant has not been reported in the literature in individuals affected with TRPM4-related conditions. An algorithm developed to predict the effect of missense changes on protein structure and function (PolyPhen-2) suggests that this variant is likely to be disruptive. In summary, the available evidence is currently insufficient to determine the role of this variant in disease. Therefore, it has been classified as a Variant of Uncertain Significance.